The following is an entry in ClinVar:

ClinVar aggregate classification (germline): Pathogenic. Review status: criteria provided, multiple submitters, no conflicts (2 of 4 stars). 8 submissions from 8 submitters: Pathogenic (6). 2 of the submissions do not count toward it. Last evaluated 2025-11-04.

Conditions:
Cardiovascular phenotype. Identifiers: MedGen CN230736.
Amyloidosis, hereditary systemic 1 (AMYLD1). Also called: Transthyretin Amyloidosis; Hereditary oculoleptomeningeal amyloid angiopathy; Familial Transthyretin Amyloidosis; AMYLOID CARDIOMYOPATHY; Isolated Cardiac Amyloidosis; Amyloid Cardiomyopathy, Transthyretin-related. Identifiers: Orphanet 85447, Orphanet 85451, MedGen C2751492, MONDO:0971004, OMIM 105210.

Submissions (8):

Ambry Genetics
Classification: Pathogenic for Cardiovascular phenotype. Last evaluated: 2025-11-04. Review status: criteria provided, single submitter. Criteria: Ambry Variant Classification Scheme 2023. Collection method: clinical testing. Allele origin: germline.
Comment: The p.E109Q pathogenic mutation (also known as c.325G>C), located in coding exon 3 of the TTR gene, results from a G to C substitution at nucleotide position 325. The glutamic acid at codon 109 is replaced by glutamine, an amino acid with highly similar properties. This alteration, which is also known as p.E89Q, was first described in an Italian family with hereditary transthyretin (TTR)-related amyloidosis (Almeida MR et al. Hum Mutat. 1992;1(3):211-5). This alteration is the most common TTR mutation in the Italian population and is associated with a mixed phenotype (Coelho T et al. Curr Med Res Opin. 2013;29(1):63-76; Rapezzi C. et al. Eur Heart J. 2013;34(7):520-8, Casta&ntilde;o A, et al. Heart Fail Rev 2015 Mar; 20(2):163-78). In addition, another mutation at the same position, p.E109K, has also been described in individuals with hereditary TTR-related amyloidosis (Barreiros AP, et al. Liver Transpl. 2010;16(3):314-23), Rapezzi C, et al. Eur. Heart J. 2013;34(7):520-8). In addition, this alteration is predicted to be deleterious by BayesDel in silico analysis. This variant is considered to be rare based on population cohorts in the Genome Aggregation Database (gnomAD). Based on the supporting evidence, this alteration is interpreted as a disease-causing mutation.

Labcorp Genetics (formerly Invitae), Labcorp
Classification: Pathogenic for Amyloidosis, hereditary systemic 1. Last evaluated: 2024-09-03. Review status: criteria provided, single submitter. Criteria: Invitae Variant Classification Sherloc (09022015). Collection method: clinical testing. Allele origin: germline.
Comment: This sequence change replaces glutamic acid, which is acidic and polar, with glutamine, which is neutral and polar, at codon 109 of the TTR protein (p.Glu109Gln). This variant is not present in population databases (gnomAD no frequency). This missense change has been observed in individuals with hereditary transthyretin-mediated amyloidosis (hATTR amyloidosis) and hATTR amyloidosis (PMID: 1301926, 28635949). It has also been observed to segregate with disease in related individuals. This variant is also known as p.Glu89Gln (E89Q). ClinVar contains an entry for this variant (Variation ID: 13442). Invitae Evidence Modeling of protein sequence and biophysical properties (such as structural, functional, and spatial information, amino acid conservation, physicochemical variation, residue mobility, and thermodynamic stability) indicates that this missense variant is expected to disrupt TTR protein function with a positive predictive value of 95%. This variant disrupts the p.Glu109 amino acid residue in TTR. Other variant(s) that disrupt this residue have been determined to be pathogenic (PMID: 10842705, 20209591, 25644864, 28911993). This suggests that this residue is clinically significant, and that variants that disrupt this residue are likely to be disease-causing. For these reasons, this variant has been classified as Pathogenic.

Athena Diagnostics
Classification: Pathogenic. Last evaluated: 2022-10-15. Review status: criteria provided, single submitter. Criteria: Athena Diagnostics Criteria. Collection method: clinical testing. Allele origin: unknown.
Comment: This variant has been identified in multiple unrelated individuals with clinical features associated with hereditary transthyretin-related amyloidosis and familial carpal tunnel syndrome and segregates with disease in multiple families. This variant has not been reported in large, multi-ethnic general populations (Genome Aggregation Database (gnomAD), Cambridge, MA (URL)). In some published literature, this variant is referred to as p.Glu89Gln.

GeneDx
Classification: Pathogenic. Last evaluated: 2019-07-18. Review status: criteria provided, single submitter. Criteria: GeneDx Variant Classification Process June 2021. Collection method: clinical testing. Allele origin: germline. Affected: yes.
Comment: Not observed in large population cohorts (Lek et al., 2016); In silico analysis, which includes protein predictors and evolutionary conservation, supports that this variant does not alter protein structure/function; This variant is associated with the following publications: (PMID: 23193944, 24073013, 27238058, 27858761, 21692911, 25408161, 28508289, 28635949, 26959691, 24767411, 16530227, 15110620, 9748569, 30328212, 28188196, 29048471, 30981840, 23713495, 12771895, 1301926, 22745357, 31353960, 31371117, 31826067, 31517333, 32740500, 26656838)

CeGaT Center for Human Genetics Tuebingen
Classification: Pathogenic. Last evaluated: 2018-05-01. Review status: criteria provided, single submitter. Criteria: CeGaT Center For Human Genetics Tuebingen Variant Classification Criteria Version 2. Collection method: clinical testing. Allele origin: germline. Affected: yes. Observed: 1 variant allele.

Women's Health and Genetics/Laboratory Corporation of America, LabCorp
Classification: Pathogenic for Amyloidosis, hereditary systemic 1. Last evaluated: 2017-07-13. Review status: criteria provided, single submitter. Criteria: LabCorp Variant Classification Summary - May 2015. Collection method: clinical testing. Allele origin: germline.
Comment: Variant summary: The TTR c.325G>C (p.Glu109Gln) variant involves the alteration of a conserved nucleotide, resulting in a missense change within the transthyretin/hydroxyisourate hydrolase domain (InterPro). 3/4 in silico tools predict a benign outcome for this variant (SNPsandGO not captured due to low reliability index). This variant is absent from the large control database ExAC (0/121328 control chromosomes). The variant has been identified in numerous heterozygous patients and families with transthyretin amyloidosis (e.g., Wixner_OJRD_2014; Nardo_TP_2004; Durmus-Tekce_Neuromusc Dis_2016). Overlapping and nearby disease-associated mutations such as E109K, H108R, H110N and H110D suggest the residue and the motif are critical for proper protein function. In addition, multiple clinical diagnostic laboratories/reputable databases classified this variant as pathogenic. Taken together, this variant is classified as pathogenic.

Molecular Genetics Laboratory, BC Children's and BC Women's Hospitals
Classification: Likely pathogenic for Amyloidosis, hereditary systemic 1. Last evaluated: 2022-02-02. Review status: no assertion criteria provided. Criteria: ACMG Guidelines, 2015. Collection method: clinical testing. Allele origin: germline. Affected: yes. Not counted in ClinVar's aggregate classification.

OMIM
Classification: Pathogenic for AMYLOIDOSIS, HEREDITARY SYSTEMIC 1. Last evaluated: 1992-01-01. Review status: no assertion criteria provided. Collection method: literature only. Allele origin: germline. Not counted in ClinVar's aggregate classification.

Literature cited by the submitters: PubMed 25408161 (cited by Ambry Genetics); PubMed 1301926 (cited by 3 submitters); PubMed 28635949 (cited by Labcorp Genetics (formerly Invitae), Labcorp); PubMed 10842705 (cited by Labcorp Genetics (formerly Invitae), Labcorp); PubMed 20209591 (cited by Labcorp Genetics (formerly Invitae), Labcorp); PubMed 25644864 (cited by Labcorp Genetics (formerly Invitae), Labcorp); PubMed 28911993 (cited by Labcorp Genetics (formerly Invitae), Labcorp); PubMed 27238058 (cited by Athena Diagnostics and Women's Health and Genetics/Laboratory Corporation of America, LabCorp); PubMed 27858761 (cited by Athena Diagnostics and Women's Health and Genetics/Laboratory Corporation of America, LabCorp); PubMed 24767411 (cited by Athena Diagnostics and Women's Health and Genetics/Laboratory Corporation of America, LabCorp); PubMed 24073013 (cited by Athena Diagnostics and Women's Health and Genetics/Laboratory Corporation of America, LabCorp); PubMed 16530227 (cited by Athena Diagnostics and Women's Health and Genetics/Laboratory Corporation of America, LabCorp); PubMed 15110620 (cited by Athena Diagnostics and Women's Health and Genetics/Laboratory Corporation of America, LabCorp); PubMed 9748569 (cited by Athena Diagnostics and Women's Health and Genetics/Laboratory Corporation of America, LabCorp); PubMed 21692911 (cited by Athena Diagnostics); PubMed 34585077 (cited by Athena Diagnostics); PubMed 28508289 (cited by Athena Diagnostics); PubMed 32395865 (cited by Athena Diagnostics); PubMed 32740500 (cited by Athena Diagnostics); PubMed 23713495 (cited by Athena Diagnostics); PubMed 31353960 (cited by Athena Diagnostics); PubMed 31371117 (cited by Athena Diagnostics); PubMed 31517333 (cited by Athena Diagnostics); PubMed 31826067 (cited by Athena Diagnostics); PubMed 22745357 (cited by Athena Diagnostics); PubMed 26656838 (cited by Athena Diagnostics); PubMed 30981840 (cited by Athena Diagnostics); PubMed 7655883 (cited by Athena Diagnostics); PubMed 22747647 (cited by Women's Health and Genetics/Laboratory Corporation of America, LabCorp); Salvi, F., Ferlini, A., Plasmati, R., Rubboli, G., Michelucci, R., Forti, A., Saraiva, M. J. M., Costa, P. P., Altland, K., Tassinari, C. A. Familial amyloidotic polyneuropathy in Italy. Arquivos Med. 3: 19-24, 1990. (cited by OMIM).

NM_000371.4(TTR):c.325G>C (p.Glu109Gln)

Gene: TTR (transthyretin; plus strand). Cytogenetic location: 18q12.1.
Variant type: single nucleotide variant.
Coding change: c.325G>C on transcript NM_000371.4 (MANE Select); coding-DNA position 325, G replaced by C.
Protein change: p.Glu109Gln; replaces glutamic acid 109 with glutamine.
Molecular consequence: missense variant.
Genome position (GRCh38, 1-based): chr18:31,595,244, G>C. VCF-style: chr18-31595244-G-C. GRCh37 (hg19) VCF-style: chr18-29175207-G-C.
Other names: E89Q; short protein forms E109Q.
Identifiers: ClinVar variation 13442 (VCV000013442.54), dbSNP rs121918082, ClinGen allele CA256829.